The following is an entry in ClinVar:

NM_001286577.2(C2CD3):c.3742C>T (p.Arg1248Cys)

Gene: C2CD3 (C2 domain containing 3 centriole elongation regulator; minus strand). Cytogenetic location: 11q13.4.
Variant type: single nucleotide variant.
Coding change: c.3742C>T on transcript NM_001286577.2 (MANE Select); coding-DNA position 3742, C replaced by T.
Protein change: p.Arg1248Cys; replaces arginine 1248 with cysteine.
Molecular consequence: missense variant.
Genome position (GRCh38, 1-based): chr11:74,085,786, G>A on the plus strand (C>T on the coding strand, the complement: C2CD3 is on the minus strand). VCF-style: chr11-74085786-G-A. GRCh37 (hg19) VCF-style: chr11-73796831-G-A.
Other names: c.3742C>T (NM_015531.4); c.3742C>T, p.Arg1248Cys (NM_015531.6); short protein forms R1248C.
Identifiers: ClinVar variation 1404581 (VCV001404581.8), dbSNP rs139665472, ClinGen allele CA6182297.
Genomic context (GRCh38, chr11:74,085,786, plus strand): 5'-TGAACTCAACGTGATGGGAGAACTCAGGGCAGAAAGAACAGGCCACAGGGTGGGTTCGGC[G>A]CTGTTCTCCCTGGGGCAGGAAGGAGAGATGAGTGGTGACAGAGGCATTGACCCCGACTGT-3'
Protein context (NP_001273506.1, residues 1238-1258): HLSFLPQGEQ[Arg1248Cys]RTHPVACSFC

ClinVar aggregate classification (germline): Uncertain significance. Review status: criteria provided, multiple submitters, no conflicts (2 of 4 stars). 4 submissions from 4 submitters: Uncertain significance (4). Last evaluated 2024-10-15.

Conditions:
Inborn genetic diseases. Identifiers: MedGen C0950123, MeSH D030342.
Orofaciodigital syndrome type 14. Also called: Orofaciodigital syndrome xiv. Identifiers: Orphanet 434179, MedGen C4706604, MONDO:0014413, OMIM 615948.

Allele frequency attached by ClinVar (database versions not stated): ESP Exome Variant Server 0.00015; 1000 Genomes Project 30x 0.00016; 1000 Genomes Project 0.00020; gnomAD 0.00025; gnomAD exomes 0.00027 and 0.00037; ExAC 0.00029; TOPMed 0.00032.

Submissions (4):

Blueprint Genetics
Classification: Uncertain significance. Last evaluated: 2024-10-15. Review status: criteria provided, single submitter. Criteria: ACMG Guidelines, 2015. Collection method: clinical testing. Allele origin: germline.

Ambry Genetics
Classification: Uncertain significance for Inborn genetic diseases. Last evaluated: 2022-11-14. Review status: criteria provided, single submitter. Criteria: Ambry Variant Classification Scheme 2023. Collection method: clinical testing. Allele origin: germline.

Labcorp Genetics (formerly Invitae), Labcorp
Classification: Uncertain significance. Last evaluated: 2022-08-23. Review status: criteria provided, single submitter. Criteria: Invitae Variant Classification Sherloc (09022015). Collection method: clinical testing. Allele origin: germline.
Comment: This sequence change replaces arginine, which is basic and polar, with cysteine, which is neutral and slightly polar, at codon 1248 of the C2CD3 protein (p.Arg1248Cys). This variant is present in population databases (rs139665472, gnomAD 0.05%). This variant has not been reported in the literature in individuals affected with C2CD3-related conditions. ClinVar contains an entry for this variant (Variation ID: 1404581). Algorithms developed to predict the effect of missense changes on protein structure and function are either unavailable or do not agree on the potential impact of this missense change (SIFT: "Deleterious"; PolyPhen-2: "Probably Damaging"; Align-GVGD: "Class C0"). In summary, the available evidence is currently insufficient to determine the role of this variant in disease. Therefore, it has been classified as a Variant of Uncertain Significance.

Victorian Clinical Genetics Services, Murdoch Childrens Research Institute
Classification: Uncertain significance for Orofaciodigital syndrome type 14. Last evaluated: 2020-07-02. Review status: criteria provided, single submitter. Criteria: ACMG Guidelines, 2015. Collection method: clinical testing. Allele origin: germline. Inheritance: Autosomal recessive inheritance.
Comment: Based on the classification scheme VCGS_Germline_v1.1.1, this variant is classified as 3B-VUS. Following criteria are met: 0102 - Loss-of-function is a known mechanism of disease for this gene. (N) 0106 - This gene is known to be associated with autosomal recessive disease. (N) 0200 - Variant is predicted to result in a missense amino acid change from arginine to cysteine (exon 21). (N) 0251 - Variant is heterozygous. (N) 0304 - Variant is present in gnomAD v2 <0.01 for a recessive condition (73 Heterozygotes, 0 Homozygotes). (P) 0309 - An alternative amino acid change at the same position has been observed in gnomAD (9 Heterozygotes, 0 Homozygotes). (N) 0502 - Missense variant with conflicting in silico predictions and uninformative conservation. (N) 0600 - Variant is located in an annotated domain or motif. This variant is in the C2 domain (NCBI conserved domain). (N) 0705 - No comparable variants have previous evidence for pathogenicity. (N) 0807 - Variant has not previously been reported in a clinical context. (N) 0905 - No segregation evidence has been identified for this variant in the literature. (N) 1007 - No published functional evidence has been identified for this variant in the literature. (N) 1208 - Inheritance information for this variant is not currently available. (N) Legend: (P) - Pathogenic, (N) - Neutral, (B) - Benign Legend: (SP) - Supporting pathogenic, (I) - Information, (SB) - Supporting benign